The following is an entry in ClinVar:

ClinVar aggregate classification (germline): Benign. Review status: criteria provided, multiple submitters, no conflicts (2 of 4 stars). 10 submissions from 10 submitters: Benign (8). 2 of the submissions do not count toward it. Last evaluated 2026-02-04.

Conditions:
Oculotrichoanal syndrome (MOTA). Also called: MARLES SYNDROME; Manitoba Oculotrichoanal (MOTA) Syndrome. Identifiers: Orphanet 2717, MedGen C1855425, MONDO:0009560, OMIM 248450.

Allele frequency attached by ClinVar (database versions not stated): 1000 Genomes Project 30x 0.41537; 1000 Genomes Project 0.41673; TOPMed 0.45930; gnomAD 0.50486; gnomAD exomes 0.50597 and 0.55710; ExAC 0.51006; ESP Exome Variant Server 0.51916.
gnomAD v4.1: 885,166 of 1,612,504 alleles (55%); highest among the groups gnomAD compares: Non-Finnish European, 58%; 249,104 homozygotes.

Submissions (10):

Labcorp Genetics (formerly Invitae), Labcorp
Classification: Benign. Last evaluated: 2026-02-04. Review status: criteria provided, single submitter. Criteria: Invitae Variant Classification Sherloc (09022015). Collection method: clinical testing. Allele origin: germline.

Blueprint Genetics
Classification: Benign. Last evaluated: 2024-11-27. Review status: criteria provided, single submitter. Criteria: ACMG Guidelines, 2015. Collection method: clinical testing. Allele origin: germline.

Mayo Clinic Laboratories, Mayo Clinic
Classification: Benign. Last evaluated: 2022-03-09. Review status: criteria provided, single submitter. Criteria: ACMG Guidelines, 2015. Collection method: clinical testing. Allele origin: germline. Observed: 60 variant alleles.

Genome-Nilou Lab
Classification: Benign for Oculotrichoanal syndrome. Last evaluated: 2021-08-10. Review status: criteria provided, single submitter. Criteria: ACMG Guidelines, 2015. Collection method: clinical testing. Allele origin: germline. Affected: no.

GeneDx
Classification: Benign. Last evaluated: 2020-04-28. Review status: criteria provided, single submitter. Criteria: GeneDx Variant Classification Process June 2021. Collection method: clinical testing. Allele origin: germline. Affected: yes.

Illumina Laboratory Services, Illumina
Classification: Benign for Oculotrichoanal syndrome. Last evaluated: 2018-01-13. Review status: criteria provided, single submitter. Criteria: ICSL Variant Classification Criteria 13 December 2019. Collection method: clinical testing. Allele origin: germline.
Comment: This variant was observed in the ICSL laboratory as part of a predisposition screen in an ostensibly healthy population. It had not been previously curated by ICSL or reported in the Human Gene Mutation Database (HGMD: prior to June 1st, 2018), and was therefore a candidate for classification through an automated scoring system. Utilizing variant allele frequency, disease prevalence and penetrance estimates, and inheritance mode, an automated score was calculated to assess if this variant is too frequent to cause the disease. Based on the score and internal cut-off values, a variant classified as benign is not then subjected to further curation. The score for this variant resulted in a classification of benign for this disease.

Breakthrough Genomics
Classification: Benign. Review status: criteria provided, single submitter. Criteria: ACMG Guidelines, 2015. Collection method: not provided. Allele origin: germline. Inheritance: Autosomal recessive inheritance. Affected: yes.

PreventionGenetics, part of Exact Sciences
Classification: Benign. Review status: criteria provided, single submitter. Criteria: ACMG Guidelines, 2015. Collection method: clinical testing. Allele origin: germline.

Diagnostic Laboratory, Department of Genetics, University Medical Center Groningen
Classification: Benign. Review status: no assertion criteria provided. Collection method: clinical testing. Allele origin: germline. Affected: yes. Study: VKGL Data-share Consensus. Not counted in ClinVar's aggregate classification.

Genome Diagnostics Laboratory, University Medical Center Utrecht
Classification: Benign. Review status: no assertion criteria provided. Collection method: clinical testing. Allele origin: germline. Affected: yes. Study: VKGL Data-share Consensus. Not counted in ClinVar's aggregate classification.

NM_001379081.2(FREM1):c.4785C>T (p.Ala1595=)

Gene: FREM1 (FRAS1 related extracellular matrix 1; minus strand). Cytogenetic location: 9p22.3.
Variant type: single nucleotide variant.
Coding change: c.4785C>T on transcript NM_001379081.2 (MANE Select); coding-DNA position 4785, C replaced by T.
Protein change: p.Ala1595=; no amino-acid change (alanine 1595 retained).
Molecular consequence: synonymous variant. On other transcripts: non-coding transcript variant (2).
Genome position (GRCh38, 1-based): chr9:14,775,861, G>A on the plus strand (C>T on the coding strand, the complement: FREM1 is on the minus strand). VCF-style: chr9-14775861-G-A. GRCh37 (hg19) VCF-style: chr9-14775859-G-A.
Other names: p.Ala1595=; c.393C>T, p.Ala131= (NM_001177704.3, NM_001370058.2, NM_001370061.2); c.4785C>T, p.Ala1595= (NM_144966.7).
Identifiers: ClinVar variation 262541 (VCV000262541.22), dbSNP rs10733289, ClinGen allele CA4990071.